The following is an entry in ClinVar:

ClinVar aggregate classification (germline): Pathogenic/Likely pathogenic. Review status: criteria provided, multiple submitters, no conflicts (2 of 4 stars). 6 submissions from 6 submitters: Pathogenic (1); Likely pathogenic (3). 2 of the submissions do not count toward it. Last evaluated 2025-06-18.

Conditions:
Metachromatic leukodystrophy (MLD). Also called: ARSA DEFICIENCY; CEREBROSIDE SULFATASE DEFICIENCY; METACHROMATIC LEUKOENCEPHALOPATHY; Cerebral sclerosis diffuse metachromatic form; Arylsulfatase A Deficiency; SULFATIDE LIPIDOSIS. Identifiers: Orphanet 512, MedGen C0023522, MONDO:0018868, OMIM 250100.

Allele frequency attached by ClinVar (database versions not stated): gnomAD exomes below 0.00001 and 0.00001; ExAC 0.00003.
gnomAD v4.1: 3 of 1,605,906 alleles (0.00019%); highest among the groups gnomAD compares: Non-Finnish European, 0.00026%; no homozygotes.

Submissions (7):

Women's Health and Genetics/Laboratory Corporation of America, LabCorp
Classification: Likely pathogenic for Metachromatic leukodystrophy. Last evaluated: 2025-06-18. Review status: criteria provided, single submitter. Criteria: LabCorp Variant Classification Summary - May 2015. Collection method: clinical testing. Allele origin: germline.
Comment: Variant summary: ARSA c.1471T>G (p.Cys491Gly) results in a non-conservative amino acid change in the encoded protein sequence. Algorithms developed to predict the effect of missense changes on protein structure and function all suggest that this variant is likely to be disruptive. The variant allele was found at a frequency of 8.4e-06 in 238822 control chromosomes. c.1471T>G has been observed in individual(s) affected with Metachromatic Leukodystrophy (Gallo_2004, Cesani_2015, Fumagalli_2021, internal_testing). These data indicate that the variant is likely to be associated with disease. To our knowledge, no experimental evidence demonstrating an impact on protein function has been reported. The following publications have been ascertained in the context of this evaluation (PMID: 26462614, 33855715, 15026521). ClinVar contains an entry for this variant (Variation ID: 68122). Based on the evidence outlined above, the variant was classified as likely pathogenic.

Myriad Genetics, Inc.
Classification: Likely pathogenic for Metachromatic leukodystrophy. Last evaluated: 2025-05-20. Review status: criteria provided, single submitter. Criteria: Myriad Autosomal Dominant, Autosomal Recessive and X-Linked Classification Criteria (2023). Collection method: clinical testing. Allele origin: unknown.
Comment: NM_000487.5(ARSA):c.1471T>G(C491G) is a missense variant classified as likely pathogenic in the context of metachromatic leukodystrophy. C491G has been observed in cases with relevant disease (PMID: 15026521, 26462614). Relevant functional assessments of this variant are available in the literature (PMID: 37480112). C491G has been observed in referenced population frequency databases. In summary, NM_000487.5(ARSA):c.1471T>G(C491G) is a missense variant that has functional support for pathogenicity and has been observed more frequently in cases with the relevant disease than in healthy populations. Please note: this variant was assessed in the context of healthy population screening.

Natera, Inc.
Classification: Likely pathogenic for Metachromatic leukodystrophy. Last evaluated: 2025-01-28. Review status: criteria provided, single submitter. Criteria: Natera Variant Classification Schema (03/2026). Collection method: clinical testing. Allele origin: germline.
Comment: The c.1471T>G variant in ARSA is a missense variant predicted to cause substitution of cysteine to glycine at amino acid 491. This variant is rare in the general population with a frequency below the threshold expected for the associated phenotype(s). This variant has been observed in one or more individuals affected with the associated recessive disease, as either homozygous or compound heterozygous with a second variant (PMID: 26462614, 15026521). This variant has been identified in one or more affected individuals with a phenotype highly consistent with the associated gene (PMID: 26462614, 15026521). Computational prediction algorithms indicate this variant is likely to affect gene or protein function. Given the available evidence, this variant is classified as Likely Pathogenic.

Labcorp Genetics (formerly Invitae), Labcorp
Classification: Pathogenic for Metachromatic leukodystrophy. Last evaluated: 2022-08-31. Review status: criteria provided, single submitter. Criteria: Invitae Variant Classification Sherloc (09022015). Collection method: clinical testing. Allele origin: germline.
Comment: This sequence change replaces cysteine, which is neutral and slightly polar, with glycine, which is neutral and non-polar, at codon 491 of the ARSA protein (p.Cys491Gly). This variant is present in population databases (rs199476388, gnomAD 0.002%). This missense change has been observed in individual(s) with metachromatic leukodystrophy (PMID: 15026521; Invitae). In at least one individual the data is consistent with being in trans (on the opposite chromosome) from a pathogenic variant. This variant is also known as C489S. ClinVar contains an entry for this variant (Variation ID: 68122). Algorithms developed to predict the effect of missense changes on protein structure and function (SIFT, PolyPhen-2, Align-GVGD) all suggest that this variant is likely to be disruptive. For these reasons, this variant has been classified as Pathogenic.

Counsyl
Classification: Uncertain significance for Metachromatic leukodystrophy. Last evaluated: 2017-05-17. Review status: no assertion criteria provided. Collection method: clinical testing. Allele origin: unknown. Not counted in ClinVar's aggregate classification.

Gelb Laboratory, University of Washington
No classification provided (evidence only). Condition: Metachromatic leukodystrophy. Review status: no classification provided. Collection method: in vitro. Allele origin: not applicable. Inheritance: Autosomal recessive inheritance. Functional consequence: loss_of_function_variant. Not counted in ClinVar's aggregate classification.
ClinVar note: "not provided" was previously submitted as the classification for the variant. However, the classification appeared to be based only on an observation of functional data so it was converted to no classification on 2025-07-30.

UniProtKB/Swiss-Prot
No classification provided. Review status: no classification provided. Collection method: not provided. Allele origin: not provided. Not counted in ClinVar's aggregate classification.

Literature cited by the submitters: PubMed 26462614 (cited by 5 submitters); PubMed 33855715 (cited by Women's Health and Genetics/Laboratory Corporation of America, LabCorp); PubMed 15026521 (cited by 6 submitters); PubMed 37480112 (cited by Myriad Genetics, Inc.); PubMed 23208745 (cited by Counsyl).

NM_000487.6(ARSA):c.1471T>G (p.Cys491Gly)

Gene: ARSA (arylsulfatase A; minus strand). Cytogenetic location: 22q13.33.
Variant type: single nucleotide variant.
Coding change: c.1471T>G on transcript NM_000487.6 (MANE Select); coding-DNA position 1471, T replaced by G.
Protein change: p.Cys491Gly; replaces cysteine 491 with glycine.
Molecular consequence: missense variant.
Genome position (GRCh38, 1-based): chr22:50,625,204, A>C on the plus strand (T>G on the coding strand, the complement: ARSA is on the minus strand). VCF-style: chr22-50625204-A-C. GRCh37 (hg19) VCF-style: chr22-51063632-A-C.
Other names: c.1471T>G, p.Cys491Gly (NM_001085425.3, NM_001085426.3, NM_001085427.3); c.1213T>G, p.Cys405Gly (NM_001085428.3, NM_001362782.2); short protein forms C491G, C405G.
Identifiers: ClinVar variation 68122 (VCV000068122.14), dbSNP rs199476388, ClinGen allele CA219000.